The following is an entry in ClinVar:

ClinVar aggregate classification (germline): Uncertain significance. Review status: criteria provided, multiple submitters, no conflicts (2 of 4 stars). 2 submissions from 2 submitters: Uncertain significance (2). Last evaluated 2023-08-28.

Conditions:
Inborn genetic diseases. Identifiers: MedGen C0950123, MeSH D030342.

Allele frequency attached by ClinVar (database versions not stated): TOPMed below 0.00001; gnomAD exomes 0.00001; ExAC 0.00003.
gnomAD v4.1: 17 of 1,613,318 alleles (0.0011%); highest among the groups gnomAD compares: Non-Finnish European, 0.0014%; no homozygotes.

Submissions (2):

Labcorp Genetics (formerly Invitae), Labcorp
Classification: Uncertain significance. Last evaluated: 2023-08-28. Review status: criteria provided, single submitter. Criteria: Invitae Variant Classification Sherloc (09022015). Collection method: clinical testing. Allele origin: germline.
Comment: Advanced modeling of protein sequence and biophysical properties (such as structural, functional, and spatial information, amino acid conservation, physicochemical variation, residue mobility, and thermodynamic stability) performed at Invitae indicates that this missense variant is expected to disrupt ALPK1 protein function. ClinVar contains an entry for this variant (Variation ID: 1943534). This variant has not been reported in the literature in individuals affected with ALPK1-related conditions. This variant is present in population databases (rs772901934, gnomAD 0.005%). This sequence change replaces lysine, which is basic and polar, with arginine, which is basic and polar, at codon 1067 of the ALPK1 protein (p.Lys1067Arg). In summary, the available evidence is currently insufficient to determine the role of this variant in disease. Therefore, it has been classified as a Variant of Uncertain Significance.

Ambry Genetics
Classification: Uncertain significance for Inborn genetic diseases. Last evaluated: 2023-03-14. Review status: criteria provided, single submitter. Criteria: Ambry Variant Classification Scheme 2023. Collection method: clinical testing. Allele origin: germline.

NM_025144.4(ALPK1):c.3200A>G (p.Lys1067Arg)

Gene: ALPK1 (alpha kinase 1; plus strand). Cytogenetic location: 4q25.
Variant type: single nucleotide variant.
Coding change: c.3200A>G on transcript NM_025144.4 (MANE Select); coding-DNA position 3200, A replaced by G.
Protein change: p.Lys1067Arg; replaces lysine 1067 with arginine.
Molecular consequence: missense variant.
Genome position (GRCh38, 1-based): chr4:112,438,495, A>G. VCF-style: chr4-112438495-A-G. GRCh37 (hg19) VCF-style: chr4-113359651-A-G.
Other names: c.3200A>G (NM_025144.3); c.3200A>G, p.Lys1067Arg (NM_001102406.2); c.2966A>G, p.Lys989Arg (NM_001253884.2); short protein forms K1067R, K989R.
Identifiers: ClinVar variation 1943534 (VCV001943534.7), dbSNP rs772901934, ClinGen allele CA3047113.